The following is an entry in ClinVar:

NM_001142800.2(EYS):c.730T>C (p.Cys244Arg)

Gene: EYS (eyes shut homolog; minus strand). Cytogenetic location: 6q12.
Variant type: single nucleotide variant.
Coding change: c.730T>C on transcript NM_001142800.2 (MANE Select); coding-DNA position 730, T replaced by C.
Protein change: p.Cys244Arg; replaces cysteine 244 with arginine.
Molecular consequence: missense variant.
Genome position (GRCh38, 1-based): chr6:65,494,681, A>G on the plus strand (T>C on the coding strand, the complement: EYS is on the minus strand). VCF-style: chr6-65494681-A-G. GRCh37 (hg19) VCF-style: chr6-66204574-A-G.
Other names: c.730T>C, p.Cys244Arg (NM_001142801.2, NM_001292009.2, NM_198283.2); short protein forms C244R.
Identifiers: ClinVar variation 2141302 (VCV002141302.1), dbSNP rs1766174503, ClinGen allele CA364789260.

ClinVar aggregate classification (germline): Uncertain significance (1 of 4 stars; one submission).

Allele frequency attached by ClinVar (database versions not stated): TOPMed below 0.00001; gnomAD exomes 0.00001.
gnomAD v4.1: 3 of 1,573,420 alleles (0.00019%); highest among the groups gnomAD compares: Admixed American, 0.0055%; no homozygotes.

Submission:

Labcorp Genetics (formerly Invitae), Labcorp
Classification: Uncertain significance. Last evaluated: 2022-08-21. Review status: criteria provided, single submitter. Criteria: Invitae Variant Classification Sherloc (09022015). Collection method: clinical testing. Allele origin: germline.
Comment: This sequence change replaces cysteine, which is neutral and slightly polar, with arginine, which is basic and polar, at codon 244 of the EYS protein (p.Cys244Arg). This variant is not present in population databases (gnomAD no frequency). This variant has not been reported in the literature in individuals affected with EYS-related conditions. Algorithms developed to predict the effect of missense changes on protein structure and function (SIFT, PolyPhen-2, Align-GVGD) all suggest that this variant is likely to be disruptive. In summary, the available evidence is currently insufficient to determine the role of this variant in disease. Therefore, it has been classified as a Variant of Uncertain Significance.